The following is an entry in ClinVar:

NM_006214.4(PHYH):c.872A>C (p.Asp291Ala)

Gene: PHYH (phytanoyl-CoA 2-hydroxylase; minus strand). Cytogenetic location: 10p13.
Variant type: single nucleotide variant.
Coding change: c.872A>C on transcript NM_006214.4 (MANE Select); coding-DNA position 872, A replaced by C.
Protein change: p.Asp291Ala; replaces aspartic acid 291 with alanine.
Molecular consequence: missense variant.
Genome position (GRCh38, 1-based): chr10:13,281,067, T>G on the plus strand (A>C on the coding strand, the complement: PHYH is on the minus strand). VCF-style: chr10-13281067-T-G. GRCh37 (hg19) VCF-style: chr10-13323067-T-G.
Other names: c.572A>C, p.Asp191Ala (NM_001037537.2, NM_001323080.2); c.878A>C, p.Asp293Ala (NM_001323082.2); c.608A>C, p.Asp203Ala (NM_001323083.2); c.578A>C, p.Asp193Ala (NM_001323084.2); short protein forms D291A, D191A, D203A, D193A, D293A.
Identifiers: ClinVar variation 935366 (VCV000935366.9), dbSNP rs1835399890, ClinGen allele CA376051495.

ClinVar aggregate classification (germline): Uncertain significance (1 of 4 stars; one submission).

Submission:

Labcorp Genetics (formerly Invitae), Labcorp
Classification: Uncertain significance. Last evaluated: 2019-10-13. Review status: criteria provided, single submitter. Criteria: Invitae Variant Classification Sherloc (09022015). Collection method: clinical testing. Allele origin: germline.
Comment: In summary, the available evidence is currently insufficient to determine the role of this variant in disease. Therefore, it has been classified as a Variant of Uncertain Significance. Algorithms developed to predict the effect of missense changes on protein structure and function are either unavailable or do not agree on the potential impact of this missense change (SIFT: "Deleterious"; PolyPhen-2: "Possibly Damaging"; Align-GVGD: "Class C15"). This variant has not been reported in the literature in individuals with PHYH-related conditions. This variant is not present in population databases (ExAC no frequency). This sequence change replaces aspartic acid with alanine at codon 291 of the PHYH protein (p.Asp291Ala). The aspartic acid residue is highly conserved and there is a moderate physicochemical difference between aspartic acid and alanine.